The following is an entry in ClinVar:

ClinVar aggregate classification (germline): Uncertain significance (1 of 4 stars; one submission).

Allele frequency attached by ClinVar (database versions not stated): gnomAD exomes below 0.00001; ExAC 0.00001.
gnomAD v4.1: 4 of 1,613,858 alleles (0.00025%); highest among the groups gnomAD compares: Non-Finnish European, 0.00034%; no homozygotes.

Submission:

Labcorp Genetics (formerly Invitae), Labcorp
Classification: Uncertain significance. Last evaluated: 2021-09-24. Review status: criteria provided, single submitter. Criteria: Invitae Variant Classification Sherloc (09022015). Collection method: clinical testing. Allele origin: germline.
Comment: This sequence change replaces glycine with serine at codon 336 of the SLC12A6 protein (p.Gly336Ser). The glycine residue is highly conserved and there is a small physicochemical difference between glycine and serine. This variant is present in population databases (rs200994998, ExAC 0.001%). This variant has not been reported in the literature in individuals with SLC12A6-related conditions. Advanced modeling of protein sequence and biophysical properties (such as structural, functional, and spatial information, amino acid conservation, physicochemical variation, residue mobility, and thermodynamic stability) performed at Invitae indicates that this missense variant is expected to disrupt SLC12A6 protein function. Algorithms developed to predict the effect of sequence changes on RNA splicing suggest that this variant may create or strengthen a splice site, but this prediction has not been confirmed by published transcriptional studies. In summary, the available evidence is currently insufficient to determine the role of this variant in disease. Therefore, it has been classified as a Variant of Uncertain Significance.

NM_001365088.1(SLC12A6):c.1006G>A (p.Gly336Ser)

Gene: SLC12A6 (solute carrier family 12 member 6; minus strand). Cytogenetic location: 15q14.
Variant type: single nucleotide variant.
Coding change: c.1006G>A on transcript NM_001365088.1 (MANE Select); coding-DNA position 1006, G replaced by A.
Protein change: p.Gly336Ser; replaces glycine 336 with serine.
Molecular consequence: missense variant.
Genome position (GRCh38, 1-based): chr15:34,254,460, C>T on the plus strand (G>A on the coding strand, the complement: SLC12A6 is on the minus strand). VCF-style: chr15-34254460-C-T. GRCh37 (hg19) VCF-style: chr15-34546661-C-T.
Other names: c.829G>A, p.Gly277Ser (NM_001042494.2, NM_001042495.2); c.979G>A, p.Gly327Ser (NM_001042496.2); c.961G>A, p.Gly321Ser (NM_001042497.2); c.853G>A, p.Gly285Ser (NM_005135.2); c.1006G>A, p.Gly336Ser (NM_133647.2); short protein forms G285S, G327S, G277S, G321S, G336S.
Identifiers: ClinVar variation 1524683 (VCV001524683.5), dbSNP rs200994998, ClinGen allele CA7464423.